The following is an entry in ClinVar:

ClinVar aggregate classification (germline): Likely pathogenic (1 of 4 stars; one submission).

Conditions:
OTOG-related disorder. Also called: OTOG-related condition.

gnomAD v4.1: 2 of 1,548,494 alleles (0.00013%); no homozygotes.

Submission:

PreventionGenetics, part of Exact Sciences
Classification: Likely pathogenic for OTOG-related condition. Last evaluated: 2023-02-14. Review status: criteria provided, single submitter. Criteria: ACMG Guidelines, 2015. Collection method: clinical testing. Allele origin: germline.
Comment: The OTOG c.8358C>A variant is predicted to result in premature protein termination (p.Cys2786*). To our knowledge, this variant has not been reported in the literature. This variant is reported in 0.019% of alleles in individuals of East Asian descent in gnomAD. Nonsense variants in OTOG are expected to be pathogenic. This variant is interpreted as likely pathogenic.

NM_001292063.2(OTOG):c.8322C>A (p.Cys2774Ter)

Gene: OTOG (otogelin; plus strand). Cytogenetic location: 11p15.1.
Variant type: single nucleotide variant.
Coding change: c.8322C>A on transcript NM_001292063.2 (MANE Select); coding-DNA position 8322, C replaced by A.
Protein change: p.Cys2774Ter; replaces cysteine 2774 with a stop codon.
Molecular consequence: nonsense.
Genome position (GRCh38, 1-based): chr11:17,642,153, C>A. VCF-style: chr11-17642153-C-A. GRCh37 (hg19) VCF-style: chr11-17663700-C-A.
Other names: c.8358C>A, p.Cys2786Ter (NM_001277269.2); short protein forms C2774*, C2786*.
Identifiers: ClinVar variation 2630299 (VCV002630299.1), dbSNP rs539684481, ClinGen allele CA379786525.
Genomic context (GRCh38, chr11:17,642,153, plus strand): 5'-CACAGCTCCCATTACCTACTTCTGTGCCCTCCAGCCCGGGGCATCCTGGATCGCAGACTG[C>A]GCCCGCCACCACTGCAGCAGCACGCCCCTGGGTGCCGTGCTGGTCCGCTCTCCCATAAGC-3'